The following is an entry in ClinVar:

NM_018180.3(DHX32):c.1163G>A (p.Arg388His)

Genes: DHX32 (DEAH-box helicase 32 (putative); minus strand), BCCIP (BRCA2 and CDKN1A interacting protein; plus strand). Cytogenetic location: 10q26.2.
Variant type: single nucleotide variant.
Coding change: c.1163G>A on transcript NM_018180.3 (MANE Select); coding-DNA position 1163, G replaced by A.
Protein change: p.Arg388His; replaces arginine 388 with histidine.
Molecular consequence: missense variant. On other transcripts: intron variant (1).
Genome position (GRCh38, 1-based): chr10:125,852,572, C>T on the plus strand (G>A on the coding strand, the complement: DHX32 is on the minus strand). VCF-style: chr10-125852572-C-T. GRCh37 (hg19) VCF-style: chr10-127541141-C-T.
Other names: c.851-553C>T (NM_016567.4); short protein forms R388H.
Identifiers: ClinVar variation 4763398 (VCV004763398.1).
Genomic context (GRCh38, chr10:125,852,572, plus strand): 5'-CAACATTTAGTATTTGTGTCCACAGCACTACCTGAAGAAGATGAGCCAAGAATCTGCTTG[C>T]GTATCTCTGCCTGGCTCTGGCTGATGGGCTGCATGACGAGCGAGTTTGCTCTTATTCTCG-3'
Protein context (NP_060650.2, residues 378-398): QPISQSQAEI[Arg388His]KQILGSSSSG

ClinVar aggregate classification (germline): Uncertain significance (1 of 4 stars; one submission).

gnomAD v4.1: 10 of 1,613,624 alleles (0.00062%); highest among the groups gnomAD compares: Non-Finnish European, 0.00085%; no homozygotes.

Submission:

Labcorp Genetics (formerly Invitae), Labcorp
Classification: Uncertain significance. Last evaluated: 2025-04-22. Review status: criteria provided, single submitter. Criteria: Invitae Variant Classification Sherloc (09022015). Collection method: clinical testing. Allele origin: germline.
Comment: This sequence change replaces arginine, which is basic and polar, with histidine, which is basic and polar, at codon 388 of the DHX32 protein (p.Arg388His). This variant is present in population databases (rs61757586, gnomAD 0.007%). This variant has not been reported in the literature in individuals affected with DHX32-related conditions. An algorithm developed to predict the effect of missense changes on protein structure and function (PolyPhen-2) suggests that this variant is likely to be tolerated. In summary, the available evidence is currently insufficient to determine the role of this variant in disease. Therefore, it has been classified as a Variant of Uncertain Significance.